The following is an entry in ClinVar:

NM_003319.4:c.42742_42743insALU

Gene: TTN (titin; minus strand).
Variant type: Insertion.
Other names: c.42742_42743insALU (NM_003319.4).
Identifiers: ClinVar variation 1739276 (VCV001739276.3).

ClinVar aggregate classification (germline): Likely pathogenic (1 of 4 stars; one submission).

Conditions:
Cardiovascular phenotype. Identifiers: MedGen CN230736.

Submission:

Ambry Genetics
Classification: Likely pathogenic for Cardiovascular phenotype. Last evaluated: 2025-01-28. Review status: criteria provided, single submitter. Criteria: Ambry Variant Classification Scheme 2023. Collection method: clinical testing. Allele origin: germline.
Comment: The c.42742_42743insAlu likely pathogenic variant results from the insertion of an Alu element between nucleotides 42742 and 42743 in coding exon 153 of the TTN gene. This exon is located in the A-band region of the N2-B isoform of the titin protein and is constitutively expressed in TTN transcripts (percent spliced in or PSI 100%). Mobile element insertions contribute to pathogenicity by either disrupting the coding sequence or inducing aberrant splicing (Belancio VP et al. Semin. Cancer Biol. 2010 Aug;20:200-10; Deininger P et al. Genome Biol. 2011 Dec;12:236; van der Klift HM. Hum Mutat. 2012 Jul;33(7):1051-5). As such, this alteration is expected to result in loss of function by premature protein truncation or nonsense-mediated mRNA decay. While truncating variants in TTN are present in 1-3% of the general population, truncating variants in the A-band are the most common cause of dilated cardiomyopathy (DCM) (Herman DS et al. N. Engl. J. Med., 2012 Feb;366:619-28; Roberts AM et al. Sci Transl Med, 2015 Jan;7:270ra6). TTN truncating variants encoded in constitutive exons (PSI >90%) have been found to be significantly associated with DCM regardless of their position in titin (Schafer S et al. Nat. Genet., 2017 01;49:46-53). Based on the majority of available evidence to date, this variant is likely to be pathogenic.